The following is an entry in ClinVar:

NM_018026.4(PACS1):c.2450G>C (p.Gly817Ala)

Gene: PACS1 (phosphofurin acidic cluster sorting protein 1; plus strand). Cytogenetic location: 11q13.2.
Variant type: single nucleotide variant.
Coding change: c.2450G>C on transcript NM_018026.4 (MANE Select); coding-DNA position 2450, G replaced by C.
Protein change: p.Gly817Ala; replaces glycine 817 with alanine.
Molecular consequence: missense variant.
Genome position (GRCh38, 1-based): chr11:66,241,447, G>C. VCF-style: chr11-66241447-G-C. GRCh37 (hg19) VCF-style: chr11-66008918-G-C.
Other names: c.2450G>C (NM_018026.2); short protein forms G817A.
Identifiers: ClinVar variation 1300870 (VCV001300870.8), dbSNP rs1855812873, ClinGen allele CA381381450.

ClinVar aggregate classification (germline): Conflicting classifications of pathogenicity. Review status: criteria provided, conflicting classifications (1 of 4 stars). 3 submissions from 3 submitters: Uncertain significance (1); Benign (1); Likely benign (1). Last evaluated 2024-07-10.

Conditions:
Schuurs-Hoeijmakers syndrome. Also called: PACS1-Related Neurodevelopmental Disorder. Identifiers: Orphanet 329224, MedGen C3554343, MONDO:0014006, OMIM 615009.
Inborn genetic diseases. Identifiers: MedGen C0950123, MeSH D030342.

Allele frequency attached by ClinVar (database versions not stated): TOPMed below 0.00001; gnomAD exomes 0.00001.
gnomAD v4.1: 10 of 1,602,490 alleles (0.00062%); highest among the groups gnomAD compares: Non-Finnish European, 0.00085%; no homozygotes.

Submissions (3):

Ambry Genetics
Classification: Uncertain significance for Inborn genetic diseases. Last evaluated: 2024-07-10. Review status: criteria provided, single submitter. Criteria: Ambry Variant Classification Scheme 2023. Collection method: clinical testing. Allele origin: germline.

Labcorp Genetics (formerly Invitae), Labcorp
Classification: Benign for Schuurs-Hoeijmakers syndrome. Last evaluated: 2023-10-03. Review status: criteria provided, single submitter. Criteria: Invitae Variant Classification Sherloc (09022015). Collection method: clinical testing. Allele origin: germline.

GeneDx
Classification: Likely benign. Last evaluated: 2022-04-20. Review status: criteria provided, single submitter. Criteria: GeneDx Variant Classification Process June 2021. Collection method: clinical testing. Allele origin: germline. Affected: yes.
Comment: Not observed in large population cohorts (gnomAD); In silico analysis supports that this missense variant does not alter protein structure/function; Has not been previously published as pathogenic or benign to our knowledge